The following is an entry in ClinVar:

ClinVar aggregate classification (germline): Uncertain significance (1 of 4 stars; one submission).

Submission:

Labcorp Genetics (formerly Invitae), Labcorp
Classification: Uncertain significance. Last evaluated: 2022-06-26. Review status: criteria provided, single submitter. Criteria: Invitae Variant Classification Sherloc (09022015). Collection method: clinical testing. Allele origin: germline.
Comment: This variant results in a copy number gain of the genomic region encompassing exon(s) 2-17 of the SLC9A3 gene. This region includes the termination codon of the gene. This copy number gain extends beyond the assayed region for this gene and therefore may encompass additional genes. As the precise location of this event is unknown, it may be in tandem or it may be located elsewhere in the genome. This variant has not been reported in the literature in individuals affected with SLC9A3-related conditions. Experimental studies and prediction algorithms are not available or were not evaluated, and the functional significance of this variant is currently unknown. In summary, the available evidence is currently insufficient to determine the role of this variant in disease. Therefore, it has been classified as a Variant of Uncertain Significance.

NC_000005.9:g.(?_473494)_(492206_?)dup

Gene: SLC9A3 (solute carrier family 9 member A3). Cytogenetic location: 5p15.33.
Variant type: Duplication.
Identifiers: ClinVar variation 2425027 (VCV002425027.3).